The following is an entry in ClinVar:

NM_198060.4(NRAP):c.897G>A (p.Pro299=)

Gene: NRAP (nebulin related anchoring protein; minus strand). Cytogenetic location: 10q25.3.
Variant type: single nucleotide variant.
Coding change: c.897G>A on transcript NM_198060.4 (MANE Select); coding-DNA position 897, G replaced by A.
Protein change: p.Pro299=; no amino-acid change (proline 299 retained).
Molecular consequence: synonymous variant.
Genome position (GRCh38, 1-based): chr10:113,647,019, C>T on the plus strand (G>A on the coding strand, the complement: NRAP is on the minus strand). VCF-style: chr10-113647019-C-T. GRCh37 (hg19) VCF-style: chr10-115406778-C-T.
Other names: c.897G>A, p.Pro299= (NM_001261463.2, NM_001322945.2, NM_006175.5); c.897G>A (NM_198060.3, NM_001261463.1).
Identifiers: ClinVar variation 2640849 (VCV002640849.26), dbSNP rs150513543, ClinGen allele CA5695754.
Genomic context (GRCh38, chr10:113,647,019, plus strand): 5'-ATATGCTGGAGTGATCATAGCTGGGAAGCTGCCCTTTCCCCTGTGCTCCTCATACTCCTC[C>T]GGGTAACCCTGCCGGGTGCATCAAAAACTTCAGTGAGTAATGCTTCCCTCCCCAGATGGG-3'
Protein context (NP_932326.2, residues 289-309): ECADQYGQGY[Pro299=]EEYEEHRGKG

ClinVar aggregate classification (germline): Likely benign. Review status: criteria provided, multiple submitters, no conflicts (2 of 4 stars). 4 submissions from 4 submitters: Likely benign (3). 1 of the submissions does not count toward it. Last evaluated 2026-03-27.

Conditions:
NRAP-related disorder. Also called: NRAP-related condition.

Allele frequency attached by ClinVar (database versions not stated): ExAC 0.00011; gnomAD 0.00012; ESP Exome Variant Server 0.00015; TOPMed 0.00023.
gnomAD v4.1: 180 of 1,612,982 alleles (0.011%); highest among the groups gnomAD compares: Middle Eastern, 0.2%; 2 homozygotes.

Submissions (4):

Molecular Diagnostic Laboratory for Inherited Cardiovascular Disease, Montreal Heart Institute
Classification: Likely benign. Last evaluated: 2026-03-27. Review status: criteria provided, single submitter. Criteria: ACMG Guidelines, 2015. Collection method: clinical testing. Allele origin: germline. Affected: no.
Comment: BS1;BP7

Blueprint Genetics
Classification: Likely benign. Last evaluated: 2024-09-09. Review status: criteria provided, single submitter. Criteria: ACMG Guidelines, 2015. Collection method: clinical testing. Allele origin: germline.

CeGaT Center for Human Genetics Tuebingen
Classification: Likely benign. Last evaluated: 2022-04-01. Review status: criteria provided, single submitter. Criteria: CeGaT Center For Human Genetics Tuebingen Variant Classification Criteria Version 2. Collection method: clinical testing. Allele origin: germline. Affected: yes. Observed: 1 variant allele.
Comment: NRAP: BP4, BP7

PreventionGenetics, part of Exact Sciences
Classification: Likely benign for NRAP-related condition. Last evaluated: 2019-03-19. Review status: no assertion criteria provided. Collection method: clinical testing. Allele origin: germline. Not counted in ClinVar's aggregate classification.
Comment: This variant is classified as likely benign based on ACMG/AMP sequence variant interpretation guidelines (Richards et al. 2015 PMID: 25741868, with internal and published modifications).